The following is an entry in ClinVar:

ClinVar aggregate classification (germline): Conflicting classifications of pathogenicity. Review status: criteria provided, conflicting classifications (1 of 4 stars). 5 submissions from 5 submitters: Uncertain significance (1); Likely benign (4). Last evaluated 2026-01-22.

Conditions:
Inborn genetic diseases. Identifiers: MedGen C0950123, MeSH D030342.
ABCA4-related disorder. Also called: ABCA4-related disorders; ABCA4-related condition. Identifiers: MedGen CN239167.

Allele frequency attached by ClinVar (database versions not stated): TOPMed 0.00314; ESP Exome Variant Server 0.00323; 1000 Genomes Project 0.00419; 1000 Genomes Project 30x 0.00453.
gnomAD v4.1: 868 of 1,612,626 alleles (0.054%); highest among the groups gnomAD compares: African/African-American, 1.1%; 5 homozygotes.

Submissions (5):

Labcorp Genetics (formerly Invitae), Labcorp
Classification: Likely benign. Last evaluated: 2026-01-22. Review status: criteria provided, single submitter. Criteria: Invitae Variant Classification Sherloc (09022015). Collection method: clinical testing. Allele origin: germline.

Ambry Genetics
Classification: Likely benign for Inborn genetic diseases. Last evaluated: 2025-08-08. Review status: criteria provided, single submitter. Criteria: Ambry Variant Classification Scheme 2023. Collection method: clinical testing. Allele origin: germline.

Blueprint Genetics
Classification: Likely benign. Last evaluated: 2024-10-16. Review status: criteria provided, single submitter. Criteria: ACMG Guidelines, 2015. Collection method: clinical testing. Allele origin: germline.

Illumina Laboratory Services, Illumina
Classification: Uncertain significance for ABCA4-Related Disorders. Last evaluated: 2017-10-17. Review status: criteria provided, single submitter. Criteria: ICSL Variant Classification Criteria 13 December 2019. Collection method: clinical testing. Allele origin: germline.
Comment: This variant was observed as part of a predisposition screen in an ostensibly healthy population. A literature search was performed for the gene, cDNA change, and amino acid change (where applicable). Publications were found based on this search. However, the evidence from the literature, in combination with allele frequency data from public databases where available, was not sufficient to rule this variant in or out of causing disease. Therefore, this variant is classified as a variant of unknown significance.

GeneDx
Classification: Likely benign. Last evaluated: 2017-02-10. Review status: criteria provided, single submitter. Criteria: GeneDx Variant Classification (06012015). Collection method: clinical testing. Allele origin: germline. Affected: yes.
Comment: This variant is considered likely benign or benign based on one or more of the following criteria: it is a conservative change, it occurs at a poorly conserved position in the protein, it is predicted to be benign by multiple in silico algorithms, and/or has population frequency not consistent with disease.

Literature cited by the submitters: PubMed 21911583 (cited by Illumina Laboratory Services, Illumina); PubMed 24011517 (cited by Illumina Laboratory Services, Illumina).

NM_000350.3(ABCA4):c.618C>T (p.Ser206=)

Gene: ABCA4 (ATP binding cassette subfamily A member 4; minus strand). Cytogenetic location: 1p22.1.
Variant type: single nucleotide variant.
Coding change: c.618C>T on transcript NM_000350.3 (MANE Select); coding-DNA position 618, C replaced by T.
Protein change: p.Ser206=; no amino-acid change (serine 206 retained).
Molecular consequence: synonymous variant.
Genome position (GRCh38, 1-based): chr1:94,098,944, G>A on the plus strand (C>T on the coding strand, the complement: ABCA4 is on the minus strand). VCF-style: chr1-94098944-G-A. GRCh37 (hg19) VCF-style: chr1-94564500-G-A.
Other names: c.618C>T, p.Ser206= (NM_001425324.1).
Identifiers: ClinVar variation 377401 (VCV000377401.17), dbSNP rs61748536, ClinGen allele CA958784.